The following is an entry in ClinVar:

NM_004958.4(MTOR):c.1007A>G (p.Tyr336Cys)

Gene: MTOR (mechanistic target of rapamycin kinase; minus strand). Cytogenetic location: 1p36.22.
Variant type: single nucleotide variant.
Coding change: c.1007A>G on transcript NM_004958.4 (MANE Select); coding-DNA position 1007, A replaced by G.
Protein change: p.Tyr336Cys; replaces tyrosine 336 with cysteine.
Molecular consequence: missense variant. On other transcripts: 5 prime UTR variant (1).
Genome position (GRCh38, 1-based): chr1:11,247,928, T>C on the plus strand (A>G on the coding strand, the complement: MTOR is on the minus strand). VCF-style: chr1-11247928-T-C. GRCh37 (hg19) VCF-style: chr1-11307985-T-C.
Other names: c.1007A>G, p.Tyr336Cys (NM_001386500.1); c.-133A>G (NM_001386501.1); short protein forms Y336C.
Identifiers: ClinVar variation 1514778 (VCV001514778.8), dbSNP rs1257592579, ClinGen allele CA338399886.

ClinVar aggregate classification (germline): Uncertain significance (1 of 4 stars; one submission).

Allele frequency attached by ClinVar (database versions not stated): TOPMed 0.00001.
gnomAD v4.1: 1 of 1,614,026 alleles (0.000062%); highest among the groups gnomAD compares: African/African-American, 0.0013%; no homozygotes.

Submission:

Labcorp Genetics (formerly Invitae), Labcorp
Classification: Uncertain significance. Last evaluated: 2025-05-02. Review status: criteria provided, single submitter. Criteria: Invitae Variant Classification Sherloc (09022015). Collection method: clinical testing. Allele origin: germline.
Comment: This sequence change replaces tyrosine, which is neutral and polar, with cysteine, which is neutral and slightly polar, at codon 336 of the MTOR protein (p.Tyr336Cys). This variant is not present in population databases (gnomAD no frequency). This variant has not been reported in the literature in individuals affected with MTOR-related conditions. ClinVar contains an entry for this variant (Variation ID: 1514778). Invitae Evidence Modeling of protein sequence and biophysical properties (such as structural, functional, and spatial information, amino acid conservation, physicochemical variation, residue mobility, and thermodynamic stability) indicates that this missense variant is not expected to disrupt MTOR protein function with a negative predictive value of 95%. In summary, the available evidence is currently insufficient to determine the role of this variant in disease. Therefore, it has been classified as a Variant of Uncertain Significance.